The following is an entry in ClinVar:

ClinVar aggregate classification (germline): Conflicting classifications of pathogenicity. Review status: criteria provided, conflicting classifications (1 of 4 stars). 2 submissions from 2 submitters: Likely pathogenic (1); Uncertain significance (1). Last evaluated 2025-09-06.

Conditions:
Wiedemann-Steiner syndrome (WDSTS). Also called: Growth deficiency and mental retardation with facial dysmorphism. Identifiers: Orphanet 319182, MedGen C1854630, MONDO:0011518, OMIM 605130.

Submissions (2):

Department of Molecular Genetics, Istishari Arab Hospital
Classification: Likely pathogenic for Wiedemann-Steiner syndrome. Last evaluated: 2025-09-06. Review status: criteria provided, single submitter. Criteria: ACMG Guidelines, 2015. Collection method: clinical testing. Allele origin: de novo. Inheritance: Autosomal dominant inheritance. Affected: yes.
Comment: The KMT2A variant c.8554_8562del, p.(Ile2852_Asp2854del) is an in-frame deletion in a non-repeat region that is predicted to change the length of the protein and disrupt normal protein function. To the best of our knowledge, this variant was not previously reported in literature. Targeted parental testing revealed this variant to be de novo. Based on this supporting evidence, this variant has been reclassified as likely pathogenic, based on ACMG/AMP and ClinGen SVI guidelines.

3billion
Classification: Uncertain significance for Wiedemann-Steiner syndrome. Last evaluated: 2025-06-17. Review status: criteria provided, single submitter. Criteria: ACMG Guidelines, 2015. Collection method: clinical testing. Allele origin: germline. Affected: yes.
Comment: The variant is not observed in the gnomAD v4.1.0 dataset. Predicted Consequence/Location: Inframe deletion located in a nonrepeat region: predicted to change the length of the protein and disrupt normal protein function. Therefore, this variant is classified as VUS according to the recommendation of ACMG/AMP guideline.

NM_001197104.2(KMT2A):c.8554_8562del (p.Ile2852_Asp2854del)

Gene: KMT2A (lysine methyltransferase 2A; plus strand). Cytogenetic location: 11q23.3.
Variant type: Deletion.
Coding change: c.8554_8562del on transcript NM_001197104.2 (MANE Select); coding-DNA positions 8554 to 8562, 9 bases deleted (ATTATGGAC; older notation c.8554_8562delATTATGGAC).
Protein change: p.Ile2852_Asp2854del.
Molecular consequence: inframe deletion.
Genome position (GRCh38, 1-based): chr11:118,504,446-118,504,454, ATTATGGAC deleted; deleting any 9 consecutive bases within chr11:118,504,443-118,504,454 gives the same sequence; the c. name uses the placement nearest the transcript's 3' end. VCF-style (leftmost placement, unchanged base first): chr11-118504442-AGACATTATG-A. GRCh37 (hg19) VCF-style: chr11-118375157-AGACATTATG-A.
Other names: p.Ile2852_Asp2854del; c.8644_8652del, p.Ile2882_Asp2884del (NM_001412597.1); c.8545_8553del, p.Ile2849_Asp2851del (NM_005933.4).
Identifiers: ClinVar variation 4082158 (VCV004082158.2).
Genomic context (GRCh38, chr11:118,504,442, plus strand): 5'-GCTCCTGAAATCAGATTCAGACAATAACAACAGTGATGACTGTGGGAATATCCTGCCTTC[AGACATTATG>A]GACTTTGTACTAAAGAATACTCCATCCATGCAGGCTTTGGGTGAGAGCCCAGAGTCATCT-3'